The following is an entry in ClinVar:

NM_001042492.3(NF1):c.3341T>A (p.Leu1114Ter)

Gene: NF1 (neurofibromin 1; plus strand). Cytogenetic location: 17q11.2.
Variant type: single nucleotide variant.
Coding change: c.3341T>A on transcript NM_001042492.3 (MANE Select); coding-DNA position 3341, T replaced by A.
Protein change: p.Leu1114Ter; replaces leucine 1114 with a stop codon.
Molecular consequence: nonsense.
Genome position (GRCh38, 1-based): chr17:31,232,726, T>A. VCF-style: chr17-31232726-T-A. GRCh37 (hg19) VCF-style: chr17-29559744-T-A.
Other names: c.3341T>A, p.Leu1114Ter (NM_000267.4); short protein forms L1114*.
Identifiers: ClinVar variation 2773130 (VCV002773130.3), dbSNP rs2508230647, ClinGen allele CA398989020.

ClinVar aggregate classification (germline): Pathogenic (1 of 4 stars; one submission).

Conditions:
Neurofibromatosis, type 1 (NF1). Also called: VON RECKLINGHAUSEN DISEASE; Peripheral type neurofibromatosis; Neurofibromatosis, type I; NEUROFIBROMATOSIS, TYPE I, SOMATIC. Identifiers: Orphanet 636, MedGen C0027831, MONDO:0018975, OMIM 162200. Disease mechanism: loss of function.

Submission:

Labcorp Genetics (formerly Invitae), Labcorp
Classification: Pathogenic for Neurofibromatosis, type 1. Last evaluated: 2024-11-03. Review status: criteria provided, single submitter. Criteria: Invitae Variant Classification Sherloc (09022015). Collection method: clinical testing. Allele origin: germline.
Comment: This sequence change creates a premature translational stop signal (p.Leu1114*) in the NF1 gene. It is expected to result in an absent or disrupted protein product. Loss-of-function variants in NF1 are known to be pathogenic (PMID: 10712197, 23913538). This variant is not present in population databases (gnomAD no frequency). This variant has not been reported in the literature in individuals affected with NF1-related conditions. ClinVar contains an entry for this variant (Variation ID: 2773130). Algorithms developed to predict the effect of sequence changes on RNA splicing suggest that this variant may disrupt the consensus splice site. For these reasons, this variant has been classified as Pathogenic.

Literature cited by the submitters: PubMed 10712197; PubMed 23913538.